The following is an entry in ClinVar:

ClinVar aggregate classification (germline): Uncertain significance. Review status: criteria provided, multiple submitters, no conflicts (2 of 4 stars). 3 submissions from 3 submitters: Uncertain significance (3). Last evaluated 2026-02-11.

Conditions:
Mulibrey nanism syndrome. Also called: MUSCLE-LIVER-BRAIN-EYE NANISM; PERHEENTUPA SYNDROME; PERICARDIAL CONSTRICTION AND GROWTH FAILURE. Identifiers: Orphanet 2576, MedGen C0524582, MONDO:0009664, OMIM 253250.

Allele frequency attached by ClinVar (database versions not stated): gnomAD exomes 0.00003; ExAC 0.00004; gnomAD 0.00005; TOPMed 0.00009; ESP Exome Variant Server 0.00015; 1000 Genomes Project 30x 0.00016; 1000 Genomes Project 0.00020.
gnomAD v4.1: 75 of 1,613,946 alleles (0.0046%); highest among the groups gnomAD compares: East Asian, 0.0045%; no homozygotes.

Submissions (3):

St. Jude Molecular Pathology, St. Jude Children's Research Hospital
Classification: Uncertain significance for Mulibrey nanism syndrome. Last evaluated: 2026-02-11. Review status: criteria provided, single submitter. Criteria: St. Jude Assertion Criteria 2020. Collection method: clinical testing. Allele origin: germline.
Comment: The TRIM37 c.2707G>A p.(Asp903Asn) missense change has a maximum subpopulation frequency of 0.02% in gnomAD v2.1.1. The in silico tool REVEL predicts a benign effect on protein function, but to our knowledge this prediction has not been confirmed by functional studies. To our knowledge, this variant has not been reported in individuals with Mulibrey nanism. In summary, the evidence currently available is insufficient to determine the clinical significance of this variant. It has therefore been classified as of uncertain significance.

Mayo Clinic Laboratories, Mayo Clinic
Classification: Uncertain significance. Last evaluated: 2022-08-02. Review status: criteria provided, single submitter. Criteria: ACMG Guidelines, 2015. Collection method: clinical testing. Allele origin: germline. Observed: 2 variant alleles.
Comment: BP4, PM2

Labcorp Genetics (formerly Invitae), Labcorp
Classification: Uncertain significance. Last evaluated: 2022-06-03. Review status: criteria provided, single submitter. Criteria: Invitae Variant Classification Sherloc (09022015). Collection method: clinical testing. Allele origin: germline.
Comment: This sequence change replaces aspartic acid with asparagine at codon 903 of the TRIM37 protein (p.Asp903Asn). The aspartic acid residue is highly conserved and there is a small physicochemical difference between aspartic acid and asparagine. This variant is present in population databases (rs376094664, gnomAD 0.02%). This variant has not been reported in the literature in individuals affected with TRIM37-related conditions. ClinVar contains an entry for this variant (Variation ID: 1431491). Algorithms developed to predict the effect of missense changes on protein structure and function are either unavailable or do not agree on the potential impact of this missense change (SIFT: "Not Available"; PolyPhen-2: "Possibly Damaging"; Align-GVGD: "Not Available"). In summary, the available evidence is currently insufficient to determine the role of this variant in disease. Therefore, it has been classified as a Variant of Uncertain Significance.

NM_015294.6(TRIM37):c.2707G>A (p.Asp903Asn)

Genes: TRIM37 (tripartite motif containing 37; minus strand), LOC126862606 (CDK7 strongly-dependent group 2 enhancer GRCh37_chr17:57078614-57079813; plus strand). Cytogenetic location: 17q22.
Variant type: single nucleotide variant.
Coding change: c.2707G>A on transcript NM_015294.6 (MANE Select); coding-DNA position 2707, G replaced by A.
Protein change: p.Asp903Asn; replaces aspartic acid 903 with asparagine.
Molecular consequence: missense variant. On other transcripts: non-coding transcript variant (2), intron variant (3).
Genome position (GRCh38, 1-based): chr17:59,001,703, C>T on the plus strand (G>A on the coding strand, the complement: TRIM37 is on the minus strand). VCF-style: chr17-59001703-C-T. GRCh37 (hg19) VCF-style: chr17-57079064-C-T.
Other names: p.Asp903Asn; c.2707G>A, p.Asp903Asn (NM_001005207.5); c.2605G>A, p.Asp869Asn (NM_001320987.3); c.2632G>A, p.Asp878Asn (NM_001353082.2); c.1972G>A, p.Asp658Asn (NM_001353083.2); c.2734G>A, p.Asp912Asn (NM_001353084.2); c.2245G>A, p.Asp749Asn (NM_001353085.2); c.2656G>A, p.Asp886Asn (NM_001353086.2); and 2 more; short protein forms D903N, D749N, D912N, D658N, D869N, D878N, D886N.
Identifiers: ClinVar variation 1431491 (VCV001431491.8), dbSNP rs376094664, ClinGen allele CA8677957.